The following is an entry in ClinVar:

NM_001267550.2(TTN):c.90103C>T (p.Arg30035Cys)

Genes: TTN (titin; minus strand), TTN-AS1 (TTN antisense RNA 1; plus strand). Cytogenetic location: 2q31.2.
Variant type: single nucleotide variant.
Coding change: c.90103C>T on transcript NM_001267550.2 (MANE Select); coding-DNA position 90103, C replaced by T.
Protein change: p.Arg30035Cys; replaces arginine 30035 with cysteine.
Molecular consequence: missense variant.
Genome position (GRCh38, 1-based): chr2:178,552,797, G>A on the plus strand (C>T on the coding strand, the complement: TTN is on the minus strand). VCF-style: chr2-178552797-G-A. GRCh37 (hg19) VCF-style: chr2-179417524-G-A.
Other names: c.82399C>T, p.Arg27467Cys (NM_133378.4); c.85180C>T, p.Arg28394Cys (NM_001256850.1); c.62908C>T, p.Arg20970Cys (NM_003319.4); c.63283C>T, p.Arg21095Cys (NM_133432.3); c.63484C>T, p.Arg21162Cys (NM_133437.4); short protein forms R30035C, R27467C, R20970C, R21095C, R21162C, R28394C.
Identifiers: ClinVar variation 47495 (VCV000047495.9), dbSNP rs397517747, ClinGen allele CA141180.

ClinVar aggregate classification (germline): Uncertain significance. Review status: criteria provided, multiple submitters, no conflicts (2 of 4 stars). 4 submissions from 4 submitters: Uncertain significance (4). Last evaluated 2026-03-31.

Conditions:
TTN-related disorder. Also called: TTN-related condition; TTN-related disease; TTN-related disorders.
Myopathy, myofibrillar, 9, with early respiratory failure (MFM9). Also called: Hereditary myopathy with early respiratory failure; EDSTROM MYOPATHY; MYOPATHY, PROXIMAL, WITH EARLY RESPIRATORY MUSCLE INVOLVEMENT; Myopathy, distal, with early respiratory failure, autosomal dominant. Identifiers: Orphanet 178464, Orphanet 34521, MedGen C1863599, MONDO:0011362, OMIM 603689.
Autosomal recessive limb-girdle muscular dystrophy type 2J (LGMDR10). Also called: Limb-girdle muscular dystrophy, type 2J; MUSCULAR DYSTROPHY, LIMB-GIRDLE, AUTOSOMAL RECESSIVE 10. Identifiers: Orphanet 140922, MedGen C1837342, MONDO:0012127, OMIM 608807.
Early-onset myopathy with fatal cardiomyopathy (CMYO5). Also called: Salih Myopathy; CONGENITAL MYOPATHY 5 WITH CARDIOMYOPATHY. Identifiers: Orphanet 289377, MedGen C2673677, MONDO:0012714, OMIM 611705. Disease mechanism: loss of function.
Hypertrophic cardiomyopathy 9. Also called: Familial hypertrophic cardiomyopathy 9. Identifiers: MedGen C1861065, MONDO:0013412, OMIM 613765.
Dilated cardiomyopathy 1G (CMD1G). Identifiers: Orphanet 154, MedGen C1858763, MONDO:0011400, OMIM 604145.
Tibial muscular dystrophy (TMD). Also called: Tibial muscular dystrophy, tardive; UDD MYOPATHY; Udd Distal Myopathy – Tibial Muscular Dystrophy. Identifiers: Orphanet 609, MedGen C1838244, MONDO:0010870, OMIM 600334.

Allele frequency attached by ClinVar (database versions not stated): gnomAD exomes 0.00001; TOPMed 0.00001; ExAC 0.00002.
gnomAD v4.1: 10 of 1,613,886 alleles (0.00062%); highest among the groups gnomAD compares: East Asian, 0.0022%; no homozygotes.

Submissions (4):

PreventionGenetics, part of Exact Sciences
Classification: Uncertain significance for TTN-related condition. Last evaluated: 2026-03-31. Review status: criteria provided, single submitter. Criteria: ACMG Guidelines, 2015. Collection method: clinical testing. Allele origin: germline.
Comment: The TTN c.90103C>T variant is predicted to result in the amino acid substitution p.Arg30035Cys. This variant has been reported in an individual with left ventricular noncompaction (Table S2, Mazzarotto et al. 2021. PubMed ID: 33500567). This variant is reported in 0.011% of alleles in individuals of East Asian descent in gnomAD and is interpreted as uncertain in ClinVar (Variation ID: 47495). At this time, the clinical significance of this variant is uncertain due to the absence of conclusive functional and genetic evidence.

Fulgent Genetics
Classification: Uncertain significance for Tibial muscular dystrophy; Myopathy, myofibrillar, 9, with early respiratory failure; Dilated cardiomyopathy 1G; Autosomal recessive limb-girdle muscular dystrophy type 2J; Early-onset myopathy with fatal cardiomyopathy; Hypertrophic cardiomyopathy 9. Last evaluated: 2021-07-14. Review status: criteria provided, single submitter. Criteria: ACMG Guidelines, 2015. Collection method: clinical testing. Allele origin: unknown.

Labcorp Genetics (formerly Invitae), Labcorp
Classification: Uncertain significance for Dilated cardiomyopathy 1G; Autosomal recessive limb-girdle muscular dystrophy type 2J. Last evaluated: 2017-07-27. Review status: criteria provided, single submitter. Criteria: Invitae Variant Classification Sherloc (09022015). Collection method: clinical testing. Allele origin: germline.

Laboratory for Molecular Medicine, Mass General Brigham Personalized Medicine
Classification: Uncertain significance. Last evaluated: 2012-10-24. Review status: criteria provided, single submitter. Criteria: LMM Criteria. Collection method: clinical testing. Allele origin: germline. Observed: 2 variant alleles.
Comment: In additi on, this variant has also not been identified in large and broad European Americ an and African American populations by the NHLBI Exome Sequencing Project. The affected amino acid is not well conserved in e volution, suggesting that a change to this position may have a weaker effect or be tolerated. Other computational analyses (biochemical amino acid properties, c onservation, AlignGVGD, PolyPhen2, and SIFT) do not provide strong support for o r against an impact to the protein. Additional information is needed to fully as sess the clinical significance of the Arg27467Cys variant.